The following is an entry in ClinVar:

ClinVar aggregate classification (germline): Conflicting classifications of pathogenicity. Review status: criteria provided, conflicting classifications (1 of 4 stars). 2 submissions from 2 submitters: Uncertain significance (1); Likely benign (1). Last evaluated 2025-03-07.

Conditions:
Hereditary cancer-predisposing syndrome. Also called: Tumor predisposition; Hereditary Cancer Syndrome; Neoplastic Syndromes, Hereditary; Hereditary neoplastic syndrome. Identifiers: Orphanet 140162, MedGen C0027672, MeSH D009386, MONDO:0015356.
Rhabdoid tumor predisposition syndrome 2 (RTPS2). Identifiers: Orphanet 231108, Orphanet 69077, MedGen C2750074, MONDO:0013224, OMIM 613325.

Allele frequency attached by ClinVar (database versions not stated): gnomAD exomes below 0.00001; TOPMed below 0.00001.
gnomAD v4.1: 1 of 1,599,358 alleles (0.000063%); highest among the groups gnomAD compares: African/African-American, 0.0013%; no homozygotes.

Submissions (2):

Ambry Genetics
Classification: Likely benign for Hereditary cancer-predisposing syndrome. Last evaluated: 2025-03-07. Review status: criteria provided, single submitter. Criteria: Ambry Variant Classification Scheme 2023. Collection method: clinical testing. Allele origin: germline.

Labcorp Genetics (formerly Invitae), Labcorp
Classification: Uncertain significance for Rhabdoid tumor predisposition syndrome 2. Last evaluated: 2023-06-19. Review status: criteria provided, single submitter. Criteria: Invitae Variant Classification Sherloc (09022015). Collection method: clinical testing. Allele origin: germline.
Comment: This sequence change replaces proline, which is neutral and non-polar, with serine, which is neutral and polar, at codon 324 of the SMARCA4 protein (p.Pro324Ser). This variant is not present in population databases (gnomAD no frequency). This variant has not been reported in the literature in individuals affected with SMARCA4-related conditions. ClinVar contains an entry for this variant (Variation ID: 823426). Advanced modeling of protein sequence and biophysical properties (such as structural, functional, and spatial information, amino acid conservation, physicochemical variation, residue mobility, and thermodynamic stability) performed at Invitae indicates that this missense variant is not expected to disrupt SMARCA4 protein function. In summary, the available evidence is currently insufficient to determine the role of this variant in disease. Therefore, it has been classified as a Variant of Uncertain Significance.

NM_003072.5(SMARCA4):c.970C>T (p.Pro324Ser)

Gene: SMARCA4 (SWI/SNF related BAF chromatin remodeling complex subunit ATPase 4; plus strand). Cytogenetic location: 19p13.2.
Variant type: single nucleotide variant.
Coding change: c.970C>T on transcript NM_003072.5 (MANE Select); coding-DNA position 970, C replaced by T.
Protein change: p.Pro324Ser; replaces proline 324 with serine.
Molecular consequence: missense variant. On other transcripts: non-coding transcript variant (1).
Genome position (GRCh38, 1-based): chr19:10,987,776, C>T. VCF-style: chr19-10987776-C-T. GRCh37 (hg19) VCF-style: chr19-11098452-C-T.
Other names: c.970C>T, p.Pro324Ser (NM_001128844.3, NM_001128845.2, NM_001128846.2 and 4 more transcripts); short protein forms P324S.
Identifiers: ClinVar variation 823426 (VCV000823426.8), dbSNP rs926054421, ClinGen allele CA305287476.